The following is an entry in ClinVar:

NM_000179.3(MSH6):c.2263G>A (p.Glu755Lys)

Gene: MSH6 (mutS homolog 6; plus strand). Cytogenetic location: 2p16.3.
Variant type: single nucleotide variant.
Coding change: c.2263G>A on transcript NM_000179.3 (MANE Select); coding-DNA position 2263, G replaced by A.
Protein change: p.Glu755Lys; replaces glutamic acid 755 with lysine.
Molecular consequence: missense variant.
Genome position (GRCh38, 1-based): chr2:47,800,246, G>A. VCF-style: chr2-47800246-G-A. GRCh37 (hg19) VCF-style: chr2-48027385-G-A.
Other names: c.1873G>A, p.Glu625Lys (NM_001281492.2); c.1357G>A, p.Glu453Lys (NM_001281493.2, NM_001281494.2); c.2263G>A (NM_000179.2); short protein forms E453K, E625K, E755K.
Identifiers: ClinVar variation 1013697 (VCV001013697.10), dbSNP rs1669440921, ClinGen allele CA346752768.

ClinVar aggregate classification (germline): Uncertain significance. Review status: criteria provided, multiple submitters, no conflicts (2 of 4 stars). 2 submissions from 2 submitters: Uncertain significance (2). Last evaluated 2024-08-10.

Conditions:
Hereditary nonpolyposis colorectal neoplasms. Identifiers: MedGen C0009405, MeSH D003123.
Hereditary cancer-predisposing syndrome. Also called: Hereditary Cancer Syndrome; Tumor predisposition; Neoplastic Syndromes, Hereditary; Hereditary neoplastic syndrome. Identifiers: Orphanet 140162, MedGen C0027672, MeSH D009386, MONDO:0015356.

Submissions (2):

Labcorp Genetics (formerly Invitae), Labcorp
Classification: Uncertain significance for Hereditary nonpolyposis colorectal neoplasms. Last evaluated: 2024-08-10. Review status: criteria provided, single submitter. Criteria: Invitae Variant Classification Sherloc (09022015). Collection method: clinical testing. Allele origin: germline.
Comment: This sequence change replaces glutamic acid, which is acidic and polar, with lysine, which is basic and polar, at codon 755 of the MSH6 protein (p.Glu755Lys). This variant is not present in population databases (gnomAD no frequency). This variant has not been reported in the literature in individuals affected with MSH6-related conditions. ClinVar contains an entry for this variant (Variation ID: 1013697). Advanced modeling of protein sequence and biophysical properties (such as structural, functional, and spatial information, amino acid conservation, physicochemical variation, residue mobility, and thermodynamic stability) performed at Invitae indicates that this missense variant is not expected to disrupt MSH6 protein function with a negative predictive value of 95%. In summary, the available evidence is currently insufficient to determine the role of this variant in disease. Therefore, it has been classified as a Variant of Uncertain Significance.

Ambry Genetics
Classification: Uncertain significance for Hereditary cancer-predisposing syndrome. Last evaluated: 2024-07-08. Review status: criteria provided, single submitter. Criteria: Ambry Variant Classification Scheme 2023. Collection method: clinical testing. Allele origin: germline.
Comment: The p.E755K variant (also known as c.2263G>A), located in coding exon 4 of the MSH6 gene, results from a G to A substitution at nucleotide position 2263. The glutamic acid at codon 755 is replaced by lysine, an amino acid with similar properties. This amino acid position is conserved. In addition, this alteration is predicted to be deleterious by in silico analysis. Based on the available evidence, the clinical significance of this variant remains unclear.